The following is an entry in ClinVar:

ClinVar aggregate classification (germline): Conflicting classifications of pathogenicity. Review status: criteria provided, conflicting classifications (1 of 4 stars). 3 submissions from 3 submitters: Uncertain significance (1); Likely benign (2). Last evaluated 2026-03-18.

Conditions:
Inborn genetic diseases. Identifiers: MedGen C0950123, MeSH D030342.
DYNC1H1-related disorder. Also called: DYNC1H1-related condition; DYNC1H1-related disorders. Identifiers: MedGen CN381529.

Allele frequency attached by ClinVar (database versions not stated): gnomAD exomes 0.00007 and 0.00020; ESP Exome Variant Server 0.00008; gnomAD 0.00010; TOPMed 0.00011; ExAC 0.00019.
gnomAD v4.1: 312 of 1,588,268 alleles (0.02%); highest among the groups gnomAD compares: Non-Finnish European, 0.024%; no homozygotes.

Submissions (3):

PreventionGenetics, part of Exact Sciences
Classification: Likely benign for DYNC1H1-related condition. Last evaluated: 2026-03-18. Review status: criteria provided, single submitter. Criteria: ACMG Guidelines, 2015. Collection method: clinical testing. Allele origin: germline.
Comment: This variant is classified as likely benign based on ACMG/AMP sequence variant interpretation guidelines (Richards et al. 2015 PMID: 25741868, with internal and published modifications).

GeneDx
Classification: Likely benign. Last evaluated: 2020-11-08. Review status: criteria provided, single submitter. Criteria: GeneDx Variant Classification Process June 2021. Collection method: clinical testing. Allele origin: germline. Affected: yes.

Ambry Genetics
Classification: Uncertain significance for Inborn genetic diseases. Last evaluated: 2017-03-06. Review status: criteria provided, single submitter. Criteria: Ambry Variant Classification Scheme 2023. Collection method: clinical testing. Allele origin: germline.
Comment: The c.-3A>G variant is located in the 5' untranslated region (5&rsquo; UTR) of the DYNC1H1 gene. This variant results from an A to G substitution 3 bases upstream from the first translated codon. This nucleotide position is not well conserved in available vertebrate species. Using the BDGP and ESEfinder splice site prediction tools, this alteration is not predicted to have any significant effect on this splice acceptor site; however, direct evidence is unavailable. Since supporting evidence is limited at this time, the clinical significance of this alteration remains unclear.

NM_001376.5(DYNC1H1):c.-3A>G

Gene: DYNC1H1 (dynein cytoplasmic 1 heavy chain 1; plus strand). Cytogenetic location: 14q32.31.
Variant type: single nucleotide variant.
Coding change: c.-3A>G on transcript NM_001376.5 (MANE Select); 3 bases upstream of the start codon, A replaced by G.
Molecular consequence: 5 prime UTR variant.
Genome position (GRCh38, 1-based): chr14:101,964,689, A>G. VCF-style: chr14-101964689-A-G. GRCh37 (hg19) VCF-style: chr14-102431026-A-G.
Identifiers: ClinVar variation 590087 (VCV000590087.9), dbSNP rs369550020, ClinGen allele CA7351430.